The following is an entry in ClinVar:

NM_002768.5(CHMP1A):c.19del (p.Gln7fs)

Gene: CHMP1A (charged multivesicular body protein 1A; minus strand). Cytogenetic location: 16q24.3.
Variant type: Deletion.
Coding change: c.19del on transcript NM_002768.5 (MANE Select); coding-DNA position 19, one base deleted (C; older notation c.19delC).
Protein change: p.Gln7fs; shifts the reading frame from glutamine 7.
Molecular consequence: frameshift variant. On other transcripts: non-coding transcript variant (1), intron variant (1).
Genome position (GRCh38, 1-based): chr16:89,653,912, G deleted on the plus strand (C on the coding strand, the reverse complement: CHMP1A is on the minus strand); the first of 2 consecutive G bases (chr16:89,653,912-89,653,913); deleting either gives the same sequence. VCF-style (leftmost placement, unchanged base first): chr16-89653911-TG-T. GRCh37 (hg19) VCF-style: chr16-89720319-TG-T.
Other names: c.8-2266del (NM_001083314.4); short protein forms Q7fs.
Identifiers: ClinVar variation 1393947 (VCV001393947.6), dbSNP rs2151516798, ClinGen allele CA2573152871.

ClinVar aggregate classification (germline): Pathogenic (1 of 4 stars; one submission).

Submission:

Labcorp Genetics (formerly Invitae), Labcorp
Classification: Pathogenic. Last evaluated: 2022-08-09. Review status: criteria provided, single submitter. Criteria: Invitae Variant Classification Sherloc (09022015). Collection method: clinical testing. Allele origin: germline.
Comment: For these reasons, this variant has been classified as Pathogenic. Algorithms developed to predict the effect of sequence changes on RNA splicing suggest that this variant may disrupt the consensus splice site. ClinVar contains an entry for this variant (Variation ID: 1393947). This variant has not been reported in the literature in individuals affected with CHMP1A-related conditions. This variant is not present in population databases (gnomAD no frequency). This sequence change creates a premature translational stop signal (p.Gln7Serfs*2) in the CHMP1A gene. It is expected to result in an absent or disrupted protein product. Loss-of-function variants in CHMP1A are known to be pathogenic (PMID: 23023333).

Literature cited by the submitters: PubMed 23023333.